The following is an entry in ClinVar:

NM_001844.5(COL2A1):c.952G>A (p.Gly318Arg)

Gene: COL2A1 (collagen type II alpha 1 chain; minus strand). Cytogenetic location: 12q13.11.
Variant type: single nucleotide variant.
Coding change: c.952G>A on transcript NM_001844.5 (MANE Select); coding-DNA position 952, G replaced by A.
Protein change: p.Gly318Arg; replaces glycine 318 with arginine.
Molecular consequence: missense variant.
Genome position (GRCh38, 1-based): chr12:47,993,475, C>T on the plus strand (G>A on the coding strand, the complement: COL2A1 is on the minus strand). VCF-style: chr12-47993475-C-T. GRCh37 (hg19) VCF-style: chr12-48387258-C-T.
Other names: G118R; c.745G>A, p.Gly249Arg (NM_033150.3); short protein forms G249R, G318R.
Identifiers: ClinVar variation 17396 (VCV000017396.7), dbSNP rs121912894, ClinGen allele CA127179.

ClinVar aggregate classification (germline): Likely pathogenic. Review status: criteria provided, single submitter (1 of 4 stars). 2 submissions from 2 submitters: Likely pathogenic (1). 1 of the submissions does not count toward it. Last evaluated 2023-08-31.

Conditions:
Autosomal dominant rhegmatogenous retinal detachment. Identifiers: Orphanet 209867, MedGen C1836081, MONDO:0016202.

Allele frequency attached by ClinVar (database versions not stated): gnomAD exomes below 0.00001.
gnomAD v4.1: 3 of 1,613,710 alleles (0.00019%); highest among the groups gnomAD compares: Non-Finnish European, 0.00025%; no homozygotes.

Submissions (2):

Labcorp Genetics (formerly Invitae), Labcorp
Classification: Likely pathogenic. Last evaluated: 2023-08-31. Review status: criteria provided, single submitter. Criteria: Invitae Variant Classification Sherloc (09022015). Collection method: clinical testing. Allele origin: germline.
Comment: ClinVar contains an entry for this variant (Variation ID: 17396). In summary, the currently available evidence indicates that the variant is pathogenic, but additional data are needed to prove that conclusively. Therefore, this variant has been classified as Likely Pathogenic. This variant disrupts the triple helix domain of COL2A1. Glycine residues within the Gly-Xaa-Yaa repeats of the triple helix domain are required for the structure and stability of fibrillar collagens (PMID: 7695699, 8218237, 19344236). In COL2A1, variants affecting these glycine residues are significantly enriched in individuals with disease (PMID: 9016532, 17078022) compared to the general population (ExAC). Advanced modeling of protein sequence and biophysical properties (such as structural, functional, and spatial information, amino acid conservation, physicochemical variation, residue mobility, and thermodynamic stability) performed at Invitae indicates that this missense variant is expected to disrupt COL2A1 protein function. This variant is also known as g.10838G3A (G118R). This missense change has been observed in individual(s) with autosomal dominant rhegmatogenous retinal detachment without other clinical features of COL2A1-related conditions (PMID: 15671297). This variant is not present in population databases (gnomAD no frequency). This sequence change replaces glycine, which is neutral and non-polar, with arginine, which is basic and polar, at codon 318 of the COL2A1 protein (p.Gly318Arg).

OMIM
Classification: Pathogenic for RHEGMATOGENOUS RETINAL DETACHMENT, AUTOSOMAL DOMINANT. Last evaluated: 2005-02-01. Review status: no assertion criteria provided. Collection method: literature only. Allele origin: germline. Not counted in ClinVar's aggregate classification.

Literature cited by the submitters: PubMed 7695699 (cited by Labcorp Genetics (formerly Invitae), Labcorp); PubMed 8218237 (cited by Labcorp Genetics (formerly Invitae), Labcorp); PubMed 19344236 (cited by Labcorp Genetics (formerly Invitae), Labcorp); PubMed 9016532 (cited by Labcorp Genetics (formerly Invitae), Labcorp); PubMed 17078022 (cited by Labcorp Genetics (formerly Invitae), Labcorp); PubMed 15671297 (cited by Labcorp Genetics (formerly Invitae), Labcorp and OMIM).